The following is an entry in ClinVar:

NM_020975.6(RET):c.1581G>T (p.Glu527Asp)

Gene: RET (ret proto-oncogene; plus strand). Cytogenetic location: 10q11.21.
Variant type: single nucleotide variant.
Coding change: c.1581G>T on transcript NM_020975.6 (MANE Select); coding-DNA position 1581, G replaced by T.
Protein change: p.Glu527Asp; replaces glutamic acid 527 with aspartic acid.
Molecular consequence: missense variant.
Genome position (GRCh38, 1-based): chr10:43,112,157, G>T. VCF-style: chr10-43112157-G-T. GRCh37 (hg19) VCF-style: chr10-43607605-G-T.
Other names: c.555G>T, p.Glu185Asp (NM_001406783.1, NM_001406786.1); c.591G>T, p.Glu197Asp (NM_001406784.1); c.684G>T, p.Glu228Asp (NM_001406785.1, NM_001406787.1, NM_001406779.1 and 3 more transcripts); c.396G>T, p.Glu132Asp (NM_001406788.1, NM_001406789.1, NM_001406790.1 and 1 more transcripts); c.1452G>T, p.Glu484Asp (NM_001406764.1, NM_001406768.1, NM_001406761.1 and 1 more transcripts); c.1581G>T, p.Glu527Asp (NM_001406765.1, NM_001406743.1, NM_001406744.1 and 4 more transcripts); c.1293G>T, p.Glu431Asp (NM_001406766.1, NM_001406767.1, NM_001406770.1); c.1185G>T, p.Glu395Asp (NM_001406769.1, NM_001406772.1); and 5 more; short protein forms E132D, E185D, E197D, E228D, E273D, E285D, E352D, E381D.
Identifiers: ClinVar variation 4863248 (VCV004863248.1).
Genomic context (GRCh38, chr10:43,112,157, plus strand): 5'-AGATGTGGCCGAGGAGGCGGGCTGCCCCCTGTCCTGTGCAGTCAGCAAGAGACGGCTGGA[G>T]TGTGAGGAGTGTGGCGGCCTGGGCTCCCCAACAGGCAGGTGTGAGTGGAGGCAAGGAGAT-3'
Protein context (NP_066124.1, residues 517-537): LSCAVSKRRL[Glu527Asp]CEECGGLGSP

ClinVar aggregate classification (germline): Uncertain significance (1 of 4 stars; one submission).

Conditions:
Hereditary cancer-predisposing syndrome. Also called: Neoplastic Syndromes, Hereditary; Tumor predisposition; Hereditary Cancer Syndrome; Hereditary neoplastic syndrome. Identifiers: Orphanet 140162, MedGen C0027672, MeSH D009386, MONDO:0015356.

Submission:

Ambry Genetics
Classification: Uncertain significance for Hereditary cancer-predisposing syndrome. Last evaluated: 2026-03-24. Review status: criteria provided, single submitter. Criteria: Ambry Variant Classification Scheme 2023. Collection method: clinical testing. Allele origin: germline.
Comment: The p.E527D variant (also known as c.1581G>T), located in coding exon 8 of the RET gene, results from a G to T substitution at nucleotide position 1581. The glutamic acid at codon 527 is replaced by aspartic acid, an amino acid with highly similar properties. This amino acid position is conserved. In addition, this alteration is predicted to be tolerated by in silico analysis. Based on the available evidence, the clinical significance of this variant remains unclear.